The following is an entry in ClinVar:

NC_000011.9:g.(?_22113562)_(22239841_?)del

Gene: ANO5 (anoctamin 5; plus strand). Cytogenetic location: 11p14.3.
Variant type: Deletion.
Identifiers: ClinVar variation 3244649 (VCV003244649.1).

ClinVar aggregate classification (germline): Pathogenic (1 of 4 stars; one submission).

Conditions:
Autosomal recessive limb-girdle muscular dystrophy type 2L (LGMDR12). Also called: Limb-girdle muscular dystrophy, type 2L; MUSCULAR DYSTROPHY, LIMB-GIRDLE, AUTOSOMAL RECESSIVE 12; Limb-Girdle Muscular Dystrophy R12 Anoctamin-5-Related (LGMD-R12). Identifiers: Orphanet 206549, MedGen C1969785, MONDO:0012652, OMIM 611307.
Gnathodiaphyseal dysplasia (GDD). Also called: GNATHODIAPHYSEAL SCLEROSIS; OSTEOGENESIS IMPERFECTA WITH UNUSUAL SKELETAL LESIONS. Identifiers: Orphanet 53697, MedGen C1833736, MONDO:0008151, OMIM 166260.

Submission:

Labcorp Genetics (formerly Invitae), Labcorp
Classification: Pathogenic for Autosomal recessive limb-girdle muscular dystrophy type 2L; Gnathodiaphyseal dysplasia. Last evaluated: 2023-04-19. Review status: criteria provided, single submitter. Criteria: Invitae Variant Classification Sherloc (09022015). Collection method: clinical testing. Allele origin: unknown.
Comment: For these reasons, this variant has been classified as Pathogenic. This variant has not been reported in the literature in individuals affected with ANO5-related conditions. This variant is a gross deletion of the genomic region encompassing exon(s) 1-4 of the ANO5 gene, which includes the initiator codon. This deletion extends beyond the assayed region for this gene and therefore may encompass additional genes. It is expected to result in an absent or disrupted protein product. Loss-of-function variants in ANO5 are known to be pathogenic (PMID: 21186264, 23606453, 25891276, 30919934).

Literature cited by the submitters: PubMed 21186264; PubMed 23606453; PubMed 25891276; PubMed 30919934.